The following is an entry in ClinVar:

NM_000360.4(TH):c.507del (p.Val170fs)

Gene: TH (tyrosine hydroxylase; minus strand). Cytogenetic location: 11p15.5.
Variant type: Deletion.
Coding change: c.507del on transcript NM_000360.4 (MANE Select); coding-DNA position 507, one base deleted (A; older notation c.507delA).
Protein change: p.Val170fs; shifts the reading frame from valine 170.
Molecular consequence: frameshift variant.
Genome position (GRCh38, 1-based): chr11:2,168,160, T deleted on the plus strand (A on the coding strand, the reverse complement: TH is on the minus strand); the first of 4 consecutive T bases (chr11:2,168,160-2,168,163); deleting any one gives the same sequence. VCF-style (leftmost placement, unchanged base first): chr11-2168159-CT-C. GRCh37 (hg19) VCF-style: chr11-2189389-CT-C.
Other names: c.600del, p.Val201fs (NM_199292.3); c.588del, p.Val197fs (NM_199293.3); short protein forms V170fs, V197fs, V201fs.
Identifiers: ClinVar variation 1947375 (VCV001947375.5), dbSNP rs2495817866, ClinGen allele CA2580082619.

ClinVar aggregate classification (germline): Pathogenic (1 of 4 stars; one submission).

Conditions:
TH-deficient dopa-responsive dystonia. Also called: Tyrosine Hydroxylase-Deficient Dopa-Responsive Dystonia; Segawa syndrome, autosomal recessive; DYT-TH. Identifiers: Orphanet 101150, MedGen C2673535, MONDO:0011551, OMIM 605407.

Submission:

Labcorp Genetics (formerly Invitae), Labcorp
Classification: Pathogenic for TH-deficient dopa-responsive dystonia. Last evaluated: 2024-02-24. Review status: criteria provided, single submitter. Criteria: Invitae Variant Classification Sherloc (09022015). Collection method: clinical testing. Allele origin: germline.
Comment: This sequence change creates a premature translational stop signal (p.Val201Cysfs*36) in the TH gene. It is expected to result in an absent or disrupted protein product. Loss-of-function variants in TH are known to be pathogenic (PMID: 22264700, 24753243). This variant is not present in population databases (gnomAD no frequency). This variant has not been reported in the literature in individuals affected with TH-related conditions. ClinVar contains an entry for this variant (Variation ID: 1947375). For these reasons, this variant has been classified as Pathogenic.

Literature cited by the submitters: PubMed 22264700; PubMed 24753243.